The following is an entry in ClinVar:

ClinVar aggregate classification (germline): Uncertain significance (1 of 4 stars; one submission).

Conditions:
COG5-congenital disorder of glycosylation. Also called: CDG IIi; CONGENITAL DISORDER OF GLYCOSYLATION, TYPE IIi; COG5-CDG. Identifiers: Orphanet 263487, MedGen C3150876, MONDO:0013325, OMIM 613612.

Allele frequency attached by ClinVar (database versions not stated): TOPMed below 0.00001; gnomAD 0.00001.
gnomAD v4.1: 4 of 1,612,366 alleles (0.00025%); highest among the groups gnomAD compares: Non-Finnish European, 0.00034%; no homozygotes.

Submission:

Labcorp Genetics (formerly Invitae), Labcorp
Classification: Uncertain significance for COG5-congenital disorder of glycosylation. Last evaluated: 2021-07-14. Review status: criteria provided, single submitter. Criteria: Invitae Variant Classification Sherloc (09022015). Collection method: clinical testing. Allele origin: germline.
Comment: This sequence change replaces isoleucine with threonine at codon 567 of the COG5 protein (p.Ile567Thr). The isoleucine residue is highly conserved and there is a moderate physicochemical difference between isoleucine and threonine. This variant is not present in population databases (ExAC no frequency). This variant has not been reported in the literature in individuals affected with COG5-related conditions. Algorithms developed to predict the effect of missense changes on protein structure and function are either unavailable or do not agree on the potential impact of this missense change (SIFT: "Deleterious"; PolyPhen-2: "Benign"; Align-GVGD: "Class C0"). In summary, the available evidence is currently insufficient to determine the role of this variant in disease. Therefore, it has been classified as a Variant of Uncertain Significance.

NM_006348.5(COG5):c.1607T>C (p.Ile536Thr)

Genes: COG5 (component of oligomeric golgi complex 5; minus strand), LOC129389837 (MPRA-validated peak6677 silencer; plus strand). Cytogenetic location: 7q22.3.
Variant type: single nucleotide variant.
Coding change: c.1607T>C on transcript NM_006348.5 (MANE Select); coding-DNA position 1607, T replaced by C.
Protein change: p.Ile536Thr; replaces isoleucine 536 with threonine.
Molecular consequence: missense variant. On other transcripts: intron variant (1).
Genome position (GRCh38, 1-based): chr7:107,258,352, A>G on the plus strand (T>C on the coding strand, the complement: COG5 is on the minus strand). VCF-style: chr7-107258352-A-G. GRCh37 (hg19) VCF-style: chr7-106898797-A-G.
Other names: c.1607T>C, p.Ile536Thr (NM_001161520.2, NM_001379513.1, NM_001379514.1 and 1 more transcripts); c.1445T>C, p.Ile482Thr (NM_001379511.1); c.1037T>C, p.Ile346Thr (NM_001379515.1); c.893T>C, p.Ile298Thr (NM_001379516.1); c.1576-9853T>C (NM_001379512.1); short protein forms I298T, I346T, I482T, I536T.
Identifiers: ClinVar variation 1505235 (VCV001505235.8), dbSNP rs1278178957, ClinGen allele CA368941187.